The following is an entry in ClinVar:

ClinVar aggregate classification (germline): Conflicting classifications of pathogenicity. Review status: criteria provided, conflicting classifications (1 of 4 stars). 6 submissions from 6 submitters: Uncertain significance (3); Benign (1); Likely benign (2). Last evaluated 2026-04-13.

Conditions:
DSP-related disorder. Also called: DSP-related disorders; DSP-related condition.
Cardiovascular phenotype. Identifiers: MedGen CN230736.
Arrhythmogenic right ventricular dysplasia 8 (ARVD8). Also called: ARRHYTHMOGENIC RIGHT VENTRICULAR DYSPLASIA, FAMILIAL, 8; ARRHYTHMOGENIC RIGHT VENTRICULAR CARDIOMYOPATHY 8; Arrhythmogenic Right Ventricular Dysplasia/Cardiomyopathy 8. Identifiers: MedGen C1843896, MONDO:0011831, OMIM 607450.
Arrhythmogenic cardiomyopathy with wooly hair and keratoderma. Also called: PALMOPLANTAR KERATODERMA WITH LEFT VENTRICULAR CARDIOMYOPATHY AND WOOLLY HAIR; Carvajal syndrome; Arrhythmogenic cardiomyopathy with woolly hair and keratoderma; Dilated cardiomyopathy with woolly hair and keratoderma. Identifiers: Orphanet 65282, MedGen C1854063, MONDO:0011581, OMIM 605676.
Cardiomyopathy (CMYO). Also called: Cardiomyopathies. Identifiers: Orphanet 167848, MedGen C0878544, MONDO:0004994, HP:0001638. Inheritance: Various modes of inheritance.

Allele frequency attached by ClinVar (database versions not stated): gnomAD exomes 0.00001 and 0.00002; ExAC 0.00002; ESP Exome Variant Server 0.00008; TOPMed 0.00011; gnomAD 0.00017 and 0.00019; 1000 Genomes Project 0.00020; 1000 Genomes Project 30x 0.00031.
gnomAD v4.1: 41 of 1,613,656 alleles (0.0025%); highest among the groups gnomAD compares: African/African-American, 0.052%; no homozygotes.

Submissions (6):

PreventionGenetics, part of Exact Sciences
Classification: Uncertain significance for DSP-related condition. Last evaluated: 2026-04-13. Review status: criteria provided, single submitter. Criteria: ACMG Guidelines, 2015. Collection method: clinical testing. Allele origin: germline.
Comment: The DSP c.961G>C variant is predicted to result in the amino acid substitution p.Val321Leu. To our knowledge, this variant has not been reported in the literature. This variant is reported in 0.040% of alleles in individuals of African descent in gnomAD. At this time, the clinical significance of this variant is uncertain due to the absence of conclusive functional and genetic evidence.

Labcorp Genetics (formerly Invitae), Labcorp
Classification: Benign for Arrhythmogenic cardiomyopathy with wooly hair and keratoderma; Arrhythmogenic right ventricular dysplasia 8. Last evaluated: 2025-12-19. Review status: criteria provided, single submitter. Criteria: Invitae Variant Classification Sherloc (09022015). Collection method: clinical testing. Allele origin: germline.

Ambry Genetics
Classification: Uncertain significance for Cardiovascular phenotype. Last evaluated: 2025-11-20. Review status: criteria provided, single submitter. Criteria: Ambry Variant Classification Scheme 2023. Collection method: clinical testing. Allele origin: germline.

All of Us Research Program, National Institutes of Health
Classification: Likely benign for Arrhythmogenic cardiomyopathy with wooly hair and keratoderma. Last evaluated: 2024-09-17. Review status: criteria provided, single submitter. Criteria: ACMG Guidelines, 2015. Collection method: clinical testing. Allele origin: germline. Inheritance: Autosomal dominant inheritance. Observed: 9 variant alleles, 9 heterozygotes.
Comment: This study involves interpretation of variants in research participants for the purpose of population health screening. Participant phenotype was not available at the time of variant classification. Additional details can be found in publication PMID: 35346344, PMCID: PMC8962531

Color Diagnostics, LLC DBA Color Health
Classification: Likely benign for Cardiomyopathy. Last evaluated: 2024-04-09. Review status: criteria provided, single submitter. Criteria: ACMG Guidelines, 2015. Collection method: clinical testing. Allele origin: germline.

GeneDx
Classification: Uncertain significance. Last evaluated: 2021-04-26. Review status: criteria provided, single submitter. Criteria: GeneDx Variant Classification Process June 2021. Collection method: clinical testing. Allele origin: germline. Affected: yes.
Comment: Has not been previously published as pathogenic or benign to our knowledge; Reported in ClinVar as a variant of uncertain significance (ClinVar Variant ID# 391896; Landrum et al., 2016); In silico analysis supports that this missense variant does not alter protein structure/function

NM_004415.4(DSP):c.961G>C (p.Val321Leu)

Gene: DSP (desmoplakin; plus strand). Cytogenetic location: 6p24.3.
Variant type: single nucleotide variant.
Coding change: c.961G>C on transcript NM_004415.4 (MANE Select); coding-DNA position 961, G replaced by C.
Protein change: p.Val321Leu; replaces valine 321 with leucine.
Molecular consequence: missense variant.
Genome position (GRCh38, 1-based): chr6:7,566,398, G>C. VCF-style: chr6-7566398-G-C. GRCh37 (hg19) VCF-style: chr6-7566631-G-C.
Other names: c.961G>C (LRG_423t1, NM_004415.3); c.961G>C, p.Val321Leu (NM_001008844.3, NM_001319034.2); short protein forms V321L.
Identifiers: ClinVar variation 391896 (VCV000391896.22), dbSNP rs143994626, ClinGen allele CA053369.